The following is an entry in ClinVar:

ClinVar aggregate classification (germline): Uncertain significance. Review status: criteria provided, multiple submitters, no conflicts (2 of 4 stars). 2 submissions from 2 submitters: Uncertain significance (2). Last evaluated 2025-10-16.

Conditions:
Hereditary cancer-predisposing syndrome. Also called: Neoplastic Syndromes, Hereditary; Hereditary Cancer Syndrome; Tumor predisposition; Hereditary neoplastic syndrome. Identifiers: Orphanet 140162, MedGen C0027672, MeSH D009386, MONDO:0015356.
Rhabdoid tumor predisposition syndrome 2 (RTPS2). Identifiers: Orphanet 231108, Orphanet 69077, MedGen C2750074, MONDO:0013224, OMIM 613325.

Submissions (2):

Ambry Genetics
Classification: Uncertain significance for Hereditary cancer-predisposing syndrome. Last evaluated: 2025-10-16. Review status: criteria provided, single submitter. Criteria: Ambry Variant Classification Scheme 2023. Collection method: clinical testing. Allele origin: germline.
Comment: The p.K588T variant (also known as c.1763A>C), located in coding exon 10 of the SMARCA4 gene, results from an A to C substitution at nucleotide position 1763. The lysine at codon 588 is replaced by threonine, an amino acid with similar properties. This amino acid position is conserved. In addition, this alteration is predicted to be tolerated by in silico analysis. Based on the available evidence, the clinical significance of this variant remains unclear.

Labcorp Genetics (formerly Invitae), Labcorp
Classification: Uncertain significance for Rhabdoid tumor predisposition syndrome 2. Last evaluated: 2022-03-23. Review status: criteria provided, single submitter. Criteria: Invitae Variant Classification Sherloc (09022015). Collection method: clinical testing. Allele origin: germline.
Comment: Algorithms developed to predict the effect of missense changes on protein structure and function are either unavailable or do not agree on the potential impact of this missense change (SIFT: "Deleterious"; PolyPhen-2: "Benign"; Align-GVGD: "Class C0"). Algorithms developed to predict the effect of sequence changes on RNA splicing suggest that this variant may disrupt the consensus splice site. In summary, the available evidence is currently insufficient to determine the role of this variant in disease. Therefore, it has been classified as a Variant of Uncertain Significance. This variant is not present in population databases (gnomAD no frequency). This variant has not been reported in the literature in individuals affected with SMARCA4-related conditions. This sequence change replaces lysine, which is basic and polar, with threonine, which is neutral and polar, at codon 588 of the SMARCA4 protein (p.Lys588Thr).

NM_003072.5(SMARCA4):c.1763A>C (p.Lys588Thr)

Gene: SMARCA4 (SWI/SNF related BAF chromatin remodeling complex subunit ATPase 4; plus strand). Cytogenetic location: 19p13.2.
Variant type: single nucleotide variant.
Coding change: c.1763A>C on transcript NM_003072.5 (MANE Select); coding-DNA position 1763, A replaced by C.
Protein change: p.Lys588Thr; replaces lysine 588 with threonine.
Molecular consequence: missense variant. On other transcripts: non-coding transcript variant (1).
Genome position (GRCh38, 1-based): chr19:10,996,495, A>C. VCF-style: chr19-10996495-A-C. GRCh37 (hg19) VCF-style: chr19-11107171-A-C.
Other names: c.1763A>C, p.Lys588Thr (NM_001128844.3, NM_001128845.2, NM_001128846.2 and 6 more transcripts); c.1763A>C (NM_001128849.1); short protein forms K588T.
Identifiers: ClinVar variation 2072215 (VCV002072215.5), dbSNP rs2145980140, ClinGen allele CA404064712.
Genomic context (GRCh38, chr19:10,996,495, plus strand): 5'-CACGTGTGTGGCCTCAGCCTTGTGGGTCAGGGCCTGACCGTGTCTCTCTCTATTTCCAGA[A>C]GGCAGAAAATGCAGAAGGACAGACGCCTGCCATTGGGCCGGATGGCGAGGTGAGGAAGCA-3'
Protein context (NP_003063.2, residues 578-598): KEKKKKKKKK[Lys588Thr]AENAEGQTPA